The following is an entry in ClinVar:

NM_001134665.3(TRMT10A):c.149A>T (p.Lys50Ile)

Gene: TRMT10A (tRNA methyltransferase 10A; minus strand). Cytogenetic location: 4q23.
Variant type: single nucleotide variant.
Coding change: c.149A>T on transcript NM_001134665.3 (MANE Select); coding-DNA position 149, A replaced by T.
Protein change: p.Lys50Ile; replaces lysine 50 with isoleucine.
Molecular consequence: missense variant.
Genome position (GRCh38, 1-based): chr4:99,559,190, T>A on the plus strand (A>T on the coding strand, the complement: TRMT10A is on the minus strand). VCF-style: chr4-99559190-T-A. GRCh37 (hg19) VCF-style: chr4-100480347-T-A.
Other names: c.149A>T, p.Lys50Ile (NM_001134666.3, NM_001375880.1, NM_001375881.1 and 2 more transcripts); short protein forms K50I.
Identifiers: ClinVar variation 1336009 (VCV001336009.10), dbSNP rs140061690, ClinGen allele CA3021636.

ClinVar aggregate classification (germline): Conflicting classifications of pathogenicity. Review status: criteria provided, conflicting classifications (1 of 4 stars). 5 submissions from 5 submitters: Uncertain significance (4); Likely benign (1). Last evaluated 2025-02-16.

Conditions:
Microcephaly, short stature, and impaired glucose metabolism 1 (MSSGM1). Identifiers: Orphanet 391408, MedGen C4014997, MONDO:0000208, OMIM 616033.

Allele frequency attached by ClinVar (database versions not stated): TOPMed 0.00024; gnomAD 0.00025 and 0.00026; gnomAD exomes 0.00029; ExAC 0.00035; ESP Exome Variant Server 0.00054.
gnomAD v4.1: 462 of 1,613,120 alleles (0.029%); highest among the groups gnomAD compares: Non-Finnish European, 0.036%; no homozygotes.

Submissions (5):

Laboratory of Genetics, Children's Clinical University Hospital Latvia
Classification: Likely benign. Last evaluated: 2025-02-16. Review status: criteria provided, single submitter. Criteria: ACMG Guidelines, 2015. Collection method: clinical testing. Allele origin: germline. Affected: yes.

Blueprint Genetics
Classification: Uncertain significance. Last evaluated: 2024-08-16. Review status: criteria provided, single submitter. Criteria: ACMG Guidelines, 2015. Collection method: clinical testing. Allele origin: germline.

Clinical Genomics Laboratory, Washington University in St. Louis
Classification: Uncertain significance for Microcephaly, short stature, and impaired glucose metabolism 1. Last evaluated: 2024-06-22. Review status: criteria provided, single submitter. Criteria: ACMG Guidelines, 2015. Collection method: clinical testing. Allele origin: germline.
Comment: A TRMT10A c.149A>T (p.Lys50Ile) variant was identified. This variant, to our knowledge, has not been reported in the medical literature. This variant is observed on 82/282,586 alleles in the general population (gnomAD v.2.1.1) and has been reported in the ClinVar database as a germline variant of uncertain significance by two submitters (ClinVar ID: 1336009). Computational predictors suggest that the variant does not impact TRMT10A function. Due to limited information, and based on ACMG/AMP guidelines for variant interpretation (Richards S et al., PMID: 25741868), the clinical significance of this variant is uncertain at this time.

Labcorp Genetics (formerly Invitae), Labcorp
Classification: Uncertain significance. Last evaluated: 2023-12-21. Review status: criteria provided, single submitter. Criteria: Invitae Variant Classification Sherloc (09022015). Collection method: clinical testing. Allele origin: germline.
Comment: This sequence change replaces lysine, which is basic and polar, with isoleucine, which is neutral and non-polar, at codon 50 of the TRMT10A protein (p.Lys50Ile). This variant is present in population databases (rs140061690, gnomAD 0.05%). This variant has not been reported in the literature in individuals affected with TRMT10A-related conditions. ClinVar contains an entry for this variant (Variation ID: 1336009). Advanced modeling of protein sequence and biophysical properties (such as structural, functional, and spatial information, amino acid conservation, physicochemical variation, residue mobility, and thermodynamic stability) performed at Invitae indicates that this missense variant is expected to disrupt TRMT10A protein function with a positive predictive value of 80%. In summary, the available evidence is currently insufficient to determine the role of this variant in disease. Therefore, it has been classified as a Variant of Uncertain Significance.

Genetic Services Laboratory, University of Chicago
Classification: Uncertain significance. Last evaluated: 2020-06-18. Review status: criteria provided, single submitter. Criteria: ACMG Guidelines, 2015. Collection method: clinical testing. Allele origin: germline. Affected: no.